The following is an entry in ClinVar:

NM_000080.4(CHRNE):c.1219+2T>G

Genes: CHRNE (cholinergic receptor nicotinic epsilon subunit; minus strand), LOC130060040 (ATAC-STARR-seq lymphoblastoid silent region 8049; plus strand). Cytogenetic location: 17p13.2.
Variant type: single nucleotide variant.
Coding change: c.1219+2T>G on transcript NM_000080.4 (MANE Select); the canonical splice donor site of the intron after coding-DNA position 1219, T replaced by G.
Molecular consequence: splice donor variant.
Genome position (GRCh38, 1-based): chr17:4,899,196, A>C on the plus strand (T>G on the coding strand, the complement: CHRNE is on the minus strand). VCF-style: chr17-4899196-A-C. GRCh37 (hg19) VCF-style: chr17-4802491-A-C.
Other names: c.1219+2T>G (NM_000080.3).
Identifiers: ClinVar variation 1458892 (VCV001458892.11), dbSNP rs2151094378, ClinGen allele CA397299878.
Genomic context (GRCh38, chr17:4,899,196, plus strand): 5'-TAGGAGCCTCCCCCCTGGCAGGCACCCCGCGCGGCCCCCCGGGCCAGGGCCACTGTGCTC[A>C]CCCGTCCAGGTCCCCTGCCGGTGCCTCTGCCCCTCAAACACGAGCTCGCTCCGTGGCTTT-3'

ClinVar aggregate classification (germline): Pathogenic. Review status: criteria provided, multiple submitters, no conflicts (2 of 4 stars). 6 submissions from 6 submitters: Pathogenic (6). Last evaluated 2026-02-18.

Conditions:
Congenital myasthenic syndrome 4A. Also called: Myasthenic syndrome, congenital, 4a, slow-channel; MYASTHENIC SYNDROME, CONGENITAL, 4A, SLOW-CHANNEL, AUTOSOMAL RECESSIVE; CONGENITAL MYASTHENIC SYNDROME TYPE Ia1. Identifiers: Orphanet 590, MedGen C4225413, MONDO:0011600, OMIM 605809.
Congenital myasthenic syndrome 4B. Also called: Myasthenic syndrome, congenital, 4b, fast-channel. Identifiers: Orphanet 590, MedGen C4225369, MONDO:0014586, OMIM 616324.
Congenital myasthenic syndrome (CMS). Also called: Congenital Myasthenic Syndromes. Identifiers: Orphanet 590, MedGen C0751882, MeSH D020294, MONDO:0018940.
Congenital myasthenic syndrome 4C (CMS4C). Also called: Myasthenic syndrome, congenital, associated with acetylcholine receptor deficiency. Identifiers: Orphanet 590, MedGen C1837091, MONDO:0012157, OMIM 608931.

gnomAD v4.1: 2 of 1,601,550 alleles (0.00012%); highest among the groups gnomAD compares: Non-Finnish European, 0.00017%; no homozygotes.

Submissions (6):

Myriad Genetics, Inc.
Classification: Pathogenic for Congenital myasthenic syndrome. Last evaluated: 2026-02-18. Review status: criteria provided, single submitter. Criteria: Myriad Autosomal Dominant, Autosomal Recessive and X-Linked Classification Criteria (2023). Collection method: clinical testing. Allele origin: unknown.
Comment: NM_000080.3(CHRNE):c.1219+2T>G is a variant in a canonical splice site classified as pathogenic in the context of congenital myasthenic syndrome, CHRNE-related. c.1219+2T>G has been observed in cases with relevant disease (PMID: 10496269). Relevant functional assessments of this variant are not available in the literature. c.1219+2T>G has not been observed in referenced population frequency databases. In summary, NM_000080.3(CHRNE):c.1219+2T>G is a variant in a canonical splice site in a gene where loss of function is a known mechanism of disease, is predicted to disrupt protein function, and has been observed more frequently in cases with the relevant disease than in healthy populations. Please note: this variant was assessed in the context of healthy population screening.

First Genomix Gene Laboratory, Genetic Diagnostics Department
Classification: Pathogenic for Congenital myasthenic syndrome 4A; Congenital myasthenic syndrome 4B; Congenital myasthenic syndrome 4C. Last evaluated: 2025-06-04. Review status: criteria provided, single submitter. Criteria: ACMG Guidelines, 2015. Collection method: clinical testing. Allele origin: germline. Inheritance: Autosomal recessive inheritance. Affected: no. Observed: 1 variant allele.

Natera, Inc.
Classification: Pathogenic for Congenital myasthenic syndrome. Last evaluated: 2025-03-18. Review status: criteria provided, single submitter. Criteria: Natera Variant Classification Schema (03/2026). Collection method: clinical testing. Allele origin: germline.
Comment: The c.1219+2T>G variant in CHRNE is a canonical splice donor site variant predicted to affect pre-mRNA splicing, which may result in an abnormal transcript and altered protein product. This variant is expected to result in nonsense mediated decay, truncation, or a dysfunctional protein product. This variant is rare in the general population with a frequency below the threshold expected for the associated phenotype(s). This variant has been observed in one or more individuals affected with the associated recessive disease, as either homozygous or compound heterozygous with a second variant (PMID: 10496269). Additionally, this variant has been observed to segregate in affected family members (PMID: 10496269). Given the available evidence, this variant is classified as Pathogenic.

Baylor Genetics
Classification: Pathogenic for Congenital myasthenic syndrome 4A. Last evaluated: 2024-03-24. Review status: criteria provided, single submitter. Criteria: ACMG Guidelines, 2015. Collection method: clinical testing. Allele origin: unknown.

Labcorp Genetics (formerly Invitae), Labcorp
Classification: Pathogenic for Congenital myasthenic syndrome 4A. Last evaluated: 2023-11-20. Review status: criteria provided, single submitter. Criteria: Invitae Variant Classification Sherloc (09022015). Collection method: clinical testing. Allele origin: germline.
Comment: This sequence change affects a donor splice site in intron 10 of the CHRNE gene. It is expected to disrupt RNA splicing. Variants that disrupt the donor or acceptor splice site typically lead to a loss of protein function (PMID: 16199547), and loss-of-function variants in CHRNE are known to be pathogenic (PMID: 22678886). This variant is not present in population databases (gnomAD no frequency). Disruption of this splice site has been observed in individuals with autosomal recessive congenital myasthenic syndrome (PMID: 10496269). It has also been observed to segregate with disease in related individuals. ClinVar contains an entry for this variant (Variation ID: 1458892). Algorithms developed to predict the effect of variants on protein structure and function are not available or were not evaluated for this variant. Experimental studies are conflicting or provide insufficient evidence to determine the effect of this variant on CHRNE function (PMID: 10496269). Algorithms developed to predict the effect of sequence changes on RNA splicing suggest that this variant may disrupt the consensus splice site. For these reasons, this variant has been classified as Pathogenic.

3billion
Classification: Pathogenic for Congenital myasthenic syndrome 4B. Last evaluated: 2023-08-14. Review status: criteria provided, single submitter. Criteria: ACMG Guidelines, 2015. Collection method: clinical testing. Allele origin: germline. Affected: yes.
Comment: The variant is not observed in the gnomAD v2.1.1 dataset. Predicted Consequence/Location: Canonical splice site: predicted to alter splicing and result in a loss or disruption of normal protein function. Multiple pathogenic loss-of-function variants are reported downstream of the variant. The variant has been reported to be associated with CHRNE related disorder (ClinVar ID: VCV001458892 /PMID: 10496269). Therefore, this variant is classified as Pathogenic according to the recommendation of ACMG/AMP guideline.

Literature cited by the submitters: PubMed 10496269 (cited by 4 submitters); PubMed 16199547 (cited by Labcorp Genetics (formerly Invitae), Labcorp); PubMed 22678886 (cited by Labcorp Genetics (formerly Invitae), Labcorp).